The following is an entry in ClinVar:

ClinVar aggregate classification (germline): Uncertain significance (1 of 4 stars; one submission).

Submission:

Labcorp Genetics (formerly Invitae), Labcorp
Classification: Uncertain significance. Last evaluated: 2024-02-17. Review status: criteria provided, single submitter. Criteria: Invitae Variant Classification Sherloc (09022015). Collection method: clinical testing. Allele origin: germline.
Comment: This sequence change replaces methionine, which is neutral and non-polar, with isoleucine, which is neutral and non-polar, at codon 107 of the CPLANE1 protein (p.Met107Ile). This variant is not present in population databases (gnomAD no frequency). This variant has not been reported in the literature in individuals affected with CPLANE1-related conditions. ClinVar contains an entry for this variant (Variation ID: 2133186). Advanced modeling of protein sequence and biophysical properties (such as structural, functional, and spatial information, amino acid conservation, physicochemical variation, residue mobility, and thermodynamic stability) performed at Invitae indicates that this missense variant is not expected to disrupt CPLANE1 protein function with a negative predictive value of 95%. In summary, the available evidence is currently insufficient to determine the role of this variant in disease. Therefore, it has been classified as a Variant of Uncertain Significance.

NM_001384732.1(CPLANE1):c.321G>A (p.Met107Ile)

Gene: CPLANE1 (ciliogenesis and planar polarity effector complex subunit 1; minus strand). Cytogenetic location: 5p13.2.
Variant type: single nucleotide variant.
Coding change: c.321G>A on transcript NM_001384732.1 (MANE Select); coding-DNA position 321, G replaced by A.
Protein change: p.Met107Ile; replaces methionine 107 with isoleucine.
Molecular consequence: missense variant.
Genome position (GRCh38, 1-based): chr5:37,245,495, C>T on the plus strand (G>A on the coding strand, the complement: CPLANE1 is on the minus strand). VCF-style: chr5-37245495-C-T. GRCh37 (hg19) VCF-style: chr5-37245597-C-T.
Other names: c.321G>A, p.Met107Ile (NM_023073.4); short protein forms M107I.
Identifiers: ClinVar variation 2133186 (VCV002133186.3), dbSNP rs2548951525, ClinGen allele CA359522798.